The following is an entry in ClinVar:

NM_001111.5(ADAR):c.296dup (p.Arg100fs)

Gene: ADAR (adenosine deaminase RNA specific; minus strand). Cytogenetic location: 1q21.3.
Variant type: Duplication.
Coding change: c.296dup on transcript NM_001111.5 (MANE Select); coding-DNA position 296, one base duplicated (T; older notation c.296dupT).
Protein change: p.Arg100fs; shifts the reading frame from arginine 100.
Molecular consequence: frameshift variant. On other transcripts: 5 prime UTR variant (3), intron variant (3).
Genome position (GRCh38, 1-based): chr1:154,602,346, A duplicated on the plus strand (T on the coding strand, the reverse complement: ADAR is on the minus strand). VCF-style (leftmost placement, unchanged base first): chr1-154602345-G-GA. GRCh37 (hg19) VCF-style: chr1-154574821-G-GA.
Other names: c.-590dup (NM_001025107.3, NM_001193495.2, NM_001365048.1); c.323dup, p.Arg109fs (NM_001365045.1); c.296dup, p.Arg100fs (NM_015840.4, NM_015841.4); c.-493+39dup (NM_001365046.1, NM_001365049.1, NM_001365047.1); short protein forms R109fs, R100fs.
Identifiers: ClinVar variation 2083083 (VCV002083083.4), dbSNP rs2526668775, ClinGen allele CA2580061196.
Genomic context (GRCh38, chr1:154,602,345, plus strand): 5'-TGGCAGACTCCTGCCACGTGGTGAAGGATGCTGGAACCCTCTCTGGAGCCCCTGACTTCT[G>GA]AGATGCACGCCCCTGGGGACACCCCTGATGTCCACTTGCCTGCCTCTGGTACTGGAGGCA-3'

ClinVar aggregate classification (germline): Pathogenic (1 of 4 stars; one submission).

Conditions:
Symmetrical dyschromatosis of extremities (DSH). Also called: RETICULATE ACROPIGMENTATION OF DOHI; SYMMETRIC DYSCHROMATOSIS OF THE EXTREMITIES; Dyschromatosis symmetrica hereditaria; DYSCHROMATOSIS SYMMETRICA HEREDITARIA 1. Identifiers: Orphanet 41, MedGen C0406775, MONDO:0007483, OMIM 127400.
Aicardi-Goutieres syndrome 6 (AGS6). Identifiers: Orphanet 51, MedGen C3539013, MONDO:0014007, OMIM 615010.

Submission:

Labcorp Genetics (formerly Invitae), Labcorp
Classification: Pathogenic for Aicardi-Goutieres syndrome 6; Symmetrical dyschromatosis of extremities. Last evaluated: 2022-02-22. Review status: criteria provided, single submitter. Criteria: Invitae Variant Classification Sherloc (09022015). Collection method: clinical testing. Allele origin: germline.
Comment: This variant has not been reported in the literature in individuals affected with ADAR-related conditions. For these reasons, this variant has been classified as Pathogenic. This variant is not present in population databases (gnomAD no frequency). This sequence change creates a premature translational stop signal (p.Gly100Argfs*25) in the ADAR gene. It is expected to result in an absent or disrupted protein product. Loss-of-function variants in ADAR are known to be pathogenic (PMID: 22974014).

Literature cited by the submitters: PubMed 22974014.